The following is an entry in ClinVar:

NM_152281.3(GORAB):c.434G>A (p.Arg145His)

Gene: GORAB (golgin, RAB6 interacting; plus strand). Cytogenetic location: 1q24.2.
Variant type: single nucleotide variant.
Coding change: c.434G>A on transcript NM_152281.3 (MANE Select); coding-DNA position 434, G replaced by A.
Protein change: p.Arg145His; replaces arginine 145 with histidine.
Molecular consequence: missense variant. On other transcripts: 5 prime UTR variant (1), non-coding transcript variant (1).
Genome position (GRCh38, 1-based): chr1:170,542,505, G>A. VCF-style: chr1-170542505-G-A. GRCh37 (hg19) VCF-style: chr1-170511646-G-A.
Other names: c.434G>A, p.Arg145His (NM_001146039.2); c.-32G>A (NM_001320252.2); c.383G>A, p.Arg128His (NM_001410894.1); c.509G>A (NM_152281.2); short protein forms R145H, R128H.
Identifiers: ClinVar variation 2082673 (VCV002082673.2), dbSNP rs147691146, ClinGen allele CA1239127.

ClinVar aggregate classification (germline): Uncertain significance. Review status: criteria provided, multiple submitters, no conflicts (2 of 4 stars). 2 submissions from 2 submitters: Uncertain significance (2). Last evaluated 2025-09-01.

Conditions:
Inborn genetic diseases. Identifiers: MedGen C0950123, MeSH D030342.

Allele frequency attached by ClinVar (database versions not stated): ESP Exome Variant Server 0.00023; TOPMed 0.00006; gnomAD 0.00007.
gnomAD v4.1: 53 of 1,613,128 alleles (0.0033%); highest among the groups gnomAD compares: Admixed American, 0.0067%; no homozygotes.

Submissions (2):

Ambry Genetics
Classification: Uncertain significance for Inborn genetic diseases. Last evaluated: 2025-09-01. Review status: criteria provided, single submitter. Criteria: Ambry Variant Classification Scheme 2023. Collection method: clinical testing. Allele origin: germline.

Labcorp Genetics (formerly Invitae), Labcorp
Classification: Uncertain significance. Last evaluated: 2022-04-08. Review status: criteria provided, single submitter. Criteria: Invitae Variant Classification Sherloc (09022015). Collection method: clinical testing. Allele origin: germline.
Comment: This sequence change replaces arginine, which is basic and polar, with histidine, which is basic and polar, at codon 170 of the GORAB protein (p.Arg170His). This variant is present in population databases (rs147691146, gnomAD 0.04%). This variant has not been reported in the literature in individuals affected with GORAB-related conditions. Algorithms developed to predict the effect of missense changes on protein structure and function output the following: SIFT: "Tolerated"; PolyPhen-2: "Benign"; Align-GVGD: "Class C0". The histidine amino acid residue is found in multiple mammalian species, which suggests that this missense change does not adversely affect protein function. In summary, the available evidence is currently insufficient to determine the role of this variant in disease. Therefore, it has been classified as a Variant of Uncertain Significance.